The following is an entry in ClinVar:

ClinVar aggregate classification (germline): Uncertain significance (1 of 4 stars; one submission).

Submission:

Ambry Genetics
Classification: Uncertain significance. Last evaluated: 2023-10-29. Review status: criteria provided, single submitter. Criteria: Ambry Variant Classification Scheme 2023. Collection method: clinical testing. Allele origin: germline.
Comment: The p.G1616R variant (also known as c.4846G>A), located in coding exon 4 of the ALPK2 gene, results from a G to A substitution at nucleotide position 4846. The glycine at codon 1616 is replaced by arginine, an amino acid with dissimilar properties. This amino acid position is conserved. In addition, this alteration is predicted to be tolerated by in silico analysis. Since supporting evidence is limited at this time, the clinical significance of this alteration remains unclear.

NM_052947.4(ALPK2):c.4846G>A (p.Gly1616Arg)

Genes: ALPK2 (alpha kinase 2; minus strand), LOC130062578 (ATAC-STARR-seq lymphoblastoid active region 13390; plus strand). Cytogenetic location: 18q21.31.
Variant type: single nucleotide variant.
Coding change: c.4846G>A on transcript NM_052947.4 (MANE Select); coding-DNA position 4846, G replaced by A.
Protein change: p.Gly1616Arg; replaces glycine 1616 with arginine.
Molecular consequence: missense variant.
Genome position (GRCh38, 1-based): chr18:58,535,341, C>T on the plus strand (G>A on the coding strand, the complement: ALPK2 is on the minus strand). VCF-style: chr18-58535341-C-T. GRCh37 (hg19) VCF-style: chr18-56202573-C-T.
Other names: short protein forms G1616R.
Identifiers: ClinVar variation 3228773 (VCV003228773.1), dbSNP rs2518873947, ClinGen allele CA402559556.